The following is an entry in ClinVar:

ClinVar aggregate classification (germline): Uncertain significance (1 of 4 stars; one submission).

gnomAD v4.1: 3 of 1,614,118 alleles (0.00019%); highest among the groups gnomAD compares: East Asian, 0.0022%; no homozygotes.

Submission:

GeneDx
Classification: Uncertain significance. Last evaluated: 2024-07-01. Review status: criteria provided, single submitter. Criteria: GeneDx Variant Classification Process June 2021. Collection method: clinical testing. Allele origin: germline. Affected: yes.
Comment: Not observed at significant frequency in large population cohorts (gnomAD); In silico analysis supports that this missense variant has a deleterious effect on protein structure/function; Has not been previously published as pathogenic or benign to our knowledge

NM_001303457.2(TTI1):c.2609G>A (p.Cys870Tyr)

Gene: TTI1 (TELO2 interacting protein 1; minus strand). Cytogenetic location: 20q11.23.
Variant type: single nucleotide variant.
Coding change: c.2609G>A on transcript NM_001303457.2 (MANE Select); coding-DNA position 2609, G replaced by A.
Protein change: p.Cys870Tyr; replaces cysteine 870 with tyrosine.
Molecular consequence: missense variant.
Genome position (GRCh38, 1-based): chr20:38,002,671, C>T on the plus strand (G>A on the coding strand, the complement: TTI1 is on the minus strand). VCF-style: chr20-38002671-C-T. GRCh37 (hg19) VCF-style: chr20-36631073-C-T.
Other names: c.2609G>A, p.Cys870Tyr (NM_014657.3); short protein forms C870Y.
Identifiers: ClinVar variation 3393653 (VCV003393653.1).